The following is an entry in ClinVar:

ClinVar aggregate classification (germline): Uncertain significance. Review status: criteria provided, multiple submitters, no conflicts (2 of 4 stars). 2 submissions from 2 submitters: Uncertain significance (2). Last evaluated 2024-06-18.

Conditions:
Cardiovascular phenotype. Identifiers: MedGen CN230736.
Long QT syndrome (LQTS). Identifiers: MedGen C0023976, MeSH D008133, MONDO:0002442. Disease mechanism: loss of function. Inheritance: Various modes of inheritance.

Allele frequency attached by ClinVar (database versions not stated): TOPMed below 0.00001.

Submissions (2):

Labcorp Genetics (formerly Invitae), Labcorp
Classification: Uncertain significance for Long QT syndrome. Last evaluated: 2024-06-18. Review status: criteria provided, single submitter. Criteria: Invitae Variant Classification Sherloc (09022015). Collection method: clinical testing. Allele origin: germline.
Comment: This sequence change replaces serine, which is neutral and polar, with arginine, which is basic and polar, at codon 951 of the KCNH2 protein (p.Ser951Arg). This variant is not present in population databases (gnomAD no frequency). This variant has not been reported in the literature in individuals affected with KCNH2-related conditions. ClinVar contains an entry for this variant (Variation ID: 840645). An algorithm developed to predict the effect of missense changes on protein structure and function (PolyPhen-2) suggests that this variant is likely to be disruptive. In summary, the available evidence is currently insufficient to determine the role of this variant in disease. Therefore, it has been classified as a Variant of Uncertain Significance.

Ambry Genetics
Classification: Uncertain significance for Cardiovascular phenotype. Last evaluated: 2021-11-24. Review status: criteria provided, single submitter. Criteria: Ambry Variant Classification Scheme 2023. Collection method: clinical testing. Allele origin: germline.
Comment: The p.S951R variant (also known as c.2853C>A), located in coding exon 12 of the KCNH2 gene, results from a C to A substitution at nucleotide position 2853. The serine at codon 951 is replaced by arginine, an amino acid with dissimilar properties, and is located in the C-terminal region of the protein. This amino acid position is highly conserved in available vertebrate species. In addition, this alteration is predicted to be deleterious by in silico analysis. Since supporting evidence is limited at this time, the clinical significance of this alteration remains unclear.

NM_000238.4(KCNH2):c.2853C>A (p.Ser951Arg)

Gene: KCNH2 (potassium voltage-gated channel subfamily H member 2; minus strand). Cytogenetic location: 7q36.1.
Variant type: single nucleotide variant.
Coding change: c.2853C>A on transcript NM_000238.4 (MANE Select); coding-DNA position 2853, C replaced by A.
Protein change: p.Ser951Arg; replaces serine 951 with arginine.
Molecular consequence: missense variant.
Genome position (GRCh38, 1-based): chr7:150,947,718, G>T on the plus strand (C>A on the coding strand, the complement: KCNH2 is on the minus strand). VCF-style: chr7-150947718-G-T. GRCh37 (hg19) VCF-style: chr7-150644806-G-T.
Other names: c.1833C>A, p.Ser611Arg (NM_172057.3); short protein forms S951R, S611R.
Identifiers: ClinVar variation 840645 (VCV000840645.11), dbSNP rs1443792370, ClinGen allele CA369853262.